The following is an entry in ClinVar:

ClinVar aggregate classification (germline): Benign. Review status: criteria provided, multiple submitters, no conflicts (2 of 4 stars). 4 submissions from 3 submitters: Benign (4). Last evaluated 2019-06-14.

Conditions:
Holoprosencephaly 7 (HPE7). Identifiers: Orphanet 2162, MedGen C1835820, MONDO:0012562, OMIM 610828.
Gorlin syndrome. Also called: Basal cell nevus syndrome; Nevoid Basal Cell Carcinoma Syndrome. Identifiers: Orphanet 377, MedGen C0004779, MONDO:0007187.

Allele frequency attached by ClinVar (database versions not stated): TOPMed 0.05160; 1000 Genomes Project 0.05192; gnomAD 0.05498 and 0.05506; 1000 Genomes Project 30x 0.04934.

Submissions (4):

GeneDx
Classification: Benign. Last evaluated: 2019-06-14. Review status: criteria provided, single submitter. Criteria: GeneDx Variant Classification Process June 2021. Collection method: clinical testing. Allele origin: germline. Affected: yes.

Illumina Laboratory Services, Illumina
Classification: Benign for Basal cell nevus syndrome 1. Last evaluated: 2018-01-13. Review status: criteria provided, single submitter. Criteria: ICSL Variant Classification Criteria 13 December 2019. Collection method: clinical testing. Allele origin: germline.
Comment: This variant was observed in the ICSL laboratory as part of a predisposition screen in an ostensibly healthy population. It had not been previously curated by ICSL or reported in the Human Gene Mutation Database (HGMD: prior to June 1st, 2018), and was therefore a candidate for classification through an automated scoring system. Utilizing variant allele frequency, disease prevalence and penetrance estimates, and inheritance mode, an automated score was calculated to assess if this variant is too frequent to cause the disease. Based on the score and internal cut-off values, a variant classified as benign is not then subjected to further curation. The score for this variant resulted in a classification of benign for this disease.

Illumina Laboratory Services, Illumina
Classification: Benign for Holoprosencephaly 7. Last evaluated: 2018-01-13. Review status: criteria provided, single submitter. Criteria: ICSL Variant Classification Criteria 13 December 2019. Collection method: clinical testing. Allele origin: germline.
Comment: the same text as in the submission from Illumina Laboratory Services, Illumina above.

Breakthrough Genomics
Classification: Benign. Review status: criteria provided, single submitter. Criteria: ACMG Guidelines, 2015. Collection method: not provided. Allele origin: germline. Inheritance: Autosomal dominant inheritance. Affected: yes.

NM_000264.5(PTCH1):c.*1373G>C

Gene: PTCH1 (patched 1; minus strand). Cytogenetic location: 9q22.32.
Variant type: single nucleotide variant.
Coding change: c.*1373G>C on transcript NM_000264.5 (MANE Select); 1373 bases downstream of the stop codon, G replaced by C.
Molecular consequence: 3 prime UTR variant. On other transcripts: non-coding transcript variant (1).
Genome position (GRCh38, 1-based): chr9:95,445,020, C>G on the plus strand (G>C on the coding strand, the complement: PTCH1 is on the minus strand). VCF-style: chr9-95445020-C-G. GRCh37 (hg19) VCF-style: chr9-98207302-C-G.
Other names: c.*1373G>C (NM_001083602.3, NM_001083603.3, NM_001083604.3 and 4 more transcripts).
Identifiers: ClinVar variation 367646 (VCV000367646.7), dbSNP rs16909865, ClinGen allele CA10634198.